The following is an entry in ClinVar:

NM_015100.4(POGZ):c.1181T>C (p.Met394Thr)

Gene: POGZ (pogo transposable element derived with ZNF domain; minus strand). Cytogenetic location: 1q21.3.
Variant type: single nucleotide variant.
Coding change: c.1181T>C on transcript NM_015100.4 (MANE Select); coding-DNA position 1181, T replaced by C.
Protein change: p.Met394Thr; replaces methionine 394 with threonine.
Molecular consequence: missense variant.
Genome position (GRCh38, 1-based): chr1:151,424,959, A>G on the plus strand (T>C on the coding strand, the complement: POGZ is on the minus strand). VCF-style: chr1-151424959-A-G. GRCh37 (hg19) VCF-style: chr1-151397435-A-G.
Other names: c.1154T>C, p.Met385Thr (NM_001194937.2); c.995T>C, p.Met332Thr (NM_001194938.2); c.1202T>C, p.Met401Thr (NM_001410860.1); c.896T>C, p.Met299Thr (NM_145796.4); c.1022T>C, p.Met341Thr (NM_207171.2); short protein forms M332T, M394T, M401T, M299T, M341T, M385T.
Identifiers: ClinVar variation 5007734 (VCV005007734.2).

ClinVar aggregate classification (germline): Uncertain significance (1 of 4 stars; one submission).

Conditions:
Intellectual disability-microcephaly-strabismus-behavioral abnormalities syndrome. Also called: White-Sutton Syndrome. Identifiers: Orphanet 468678, MedGen C4225351, MONDO:0014606, OMIM 616364.

Submission:

Juno Genomics, Hangzhou Juno Genomics, Inc
Classification: Uncertain significance for Intellectual disability-microcephaly-strabismus-behavioral abnormalities syndrome. Review status: criteria provided, single submitter. Criteria: ACMG Guidelines, 2015. Collection method: clinical testing. Allele origin: germline.
Comment: Absent from controls (or at extremely low frequency if recessive) in Genome Aggregation Database.;Missense variant in a gene that has a low rate of benign missense variation.